The following is an entry in ClinVar:

ClinVar aggregate classification (germline): Uncertain significance. Review status: criteria provided, multiple submitters, no conflicts (2 of 4 stars). 4 submissions from 4 submitters: Uncertain significance (3). 1 of the submissions does not count toward it. Last evaluated 2024-10-23.

Conditions:
Hereditary cancer-predisposing syndrome. Also called: Tumor predisposition; Neoplastic Syndromes, Hereditary; Hereditary neoplastic syndrome; Hereditary Cancer Syndrome. Identifiers: Orphanet 140162, MedGen C0027672, MeSH D009386, MONDO:0015356.
Bloom syndrome (BLM). Also called: Bloom-Torre-Machacek syndrome. Identifiers: Orphanet 125, MedGen C0005859, MONDO:0008876, OMIM 210900.

Allele frequency attached by ClinVar (database versions not stated): gnomAD exomes below 0.00001.
gnomAD v4.1: 1 of 1,613,092 alleles (0.000062%); highest among the groups gnomAD compares: Non-Finnish European, 0.000085%; no homozygotes.

Submissions (4):

Labcorp Genetics (formerly Invitae), Labcorp
Classification: Uncertain significance for Bloom syndrome. Last evaluated: 2024-10-23. Review status: criteria provided, single submitter. Criteria: Invitae Variant Classification Sherloc (09022015). Collection method: clinical testing. Allele origin: germline.
Comment: This sequence change replaces valine, which is neutral and non-polar, with isoleucine, which is neutral and non-polar, at codon 67 of the BLM protein (p.Val67Ile). This variant is not present in population databases (gnomAD no frequency). This variant has not been reported in the literature in individuals affected with BLM-related conditions. ClinVar contains an entry for this variant (Variation ID: 584878). An algorithm developed to predict the effect of missense changes on protein structure and function outputs the following: PolyPhen-2: "Benign". The isoleucine amino acid residue is found in multiple mammalian species, which suggests that this missense change does not adversely affect protein function. In summary, the available evidence is currently insufficient to determine the role of this variant in disease. Therefore, it has been classified as a Variant of Uncertain Significance.

Ambry Genetics
Classification: Uncertain significance for Hereditary cancer-predisposing syndrome. Last evaluated: 2024-05-20. Review status: criteria provided, single submitter. Criteria: Ambry Variant Classification Scheme 2023. Collection method: clinical testing. Allele origin: germline.
Comment: The p.V67I variant (also known as c.199G>A), located in coding exon 2 of the BLM gene, results from a G to A substitution at nucleotide position 199. The valine at codon 67 is replaced by isoleucine, an amino acid with highly similar properties. This amino acid position is not well conserved in available vertebrate species. In addition, this alteration is predicted to be tolerated by in silico analysis. Since supporting evidence is limited at this time, the clinical significance of this alteration remains unclear.

Mendelics
Classification: Uncertain significance for Bloom syndrome. Last evaluated: 2018-07-02. Review status: criteria provided, single submitter. Criteria: Mendelics Assertion Criteria 2017. Collection method: clinical testing. Allele origin: unknown.

Natera, Inc.
Classification: Uncertain significance for Bloom syndrome. Last evaluated: 2021-07-29. Review status: no assertion criteria provided. Collection method: clinical testing. Allele origin: germline. Not counted in ClinVar's aggregate classification.

NM_000057.4(BLM):c.199G>A (p.Val67Ile)

Gene: BLM (BLM RecQ like helicase; plus strand). Cytogenetic location: 15q26.1.
Variant type: single nucleotide variant.
Coding change: c.199G>A on transcript NM_000057.4 (MANE Select); coding-DNA position 199, G replaced by A.
Protein change: p.Val67Ile; replaces valine 67 with isoleucine.
Molecular consequence: missense variant. On other transcripts: 5 prime UTR variant (1).
Genome position (GRCh38, 1-based): chr15:90,749,467, G>A. VCF-style: chr15-90749467-G-A. GRCh37 (hg19) VCF-style: chr15-91292697-G-A.
Other names: c.199G>A (NM_000057.2); c.199G>A, p.Val67Ile (NM_001287246.2, NM_001287247.2); c.-1093G>A (NM_001287248.2); short protein forms V67I.
Identifiers: ClinVar variation 584878 (VCV000584878.15), dbSNP rs991350762, ClinGen allele CA274727689.
Genomic context (GRCh38, chr15:90,749,467, plus strand): 5'-GTATCTGTAACTAATGTGTCAGTAGCAAAAACACCTGTATTAAGAAATAAAGATGTTAAT[G>A]TTACCGAAGACTTTTCCTTCAGTGAACCTCTACCCAACACCACAAATCAGCAAAGGGTCA-3'
Protein context (NP_000048.1, residues 57-77): TPVLRNKDVN[Val67Ile]TEDFSFSEPL